The following is an entry in ClinVar:

NM_002661.5(PLCG2):c.2393A>G (p.Asn798Ser)

Gene: PLCG2 (phospholipase C gamma 2; plus strand). Cytogenetic location: 16q23.3.
Variant type: single nucleotide variant.
Coding change: c.2393A>G on transcript NM_002661.5 (MANE Select); coding-DNA position 2393, A replaced by G.
Protein change: p.Asn798Ser; replaces asparagine 798 with serine.
Molecular consequence: missense variant.
Genome position (GRCh38, 1-based): chr16:81,923,570, A>G. VCF-style: chr16-81923570-A-G. GRCh37 (hg19) VCF-style: chr16-81957175-A-G.
Other names: short protein forms N798S.
Identifiers: ClinVar variation 773585 (VCV000773585.46), dbSNP rs117077093, ClinGen allele CA8194238.

ClinVar aggregate classification (germline): Likely benign. Review status: criteria provided, multiple submitters, no conflicts (2 of 4 stars). 7 submissions from 7 submitters: Likely benign (4). 3 of the submissions do not count toward it. Last evaluated 2026-05-01.

Conditions:
Familial cold autoinflammatory syndrome 3 (FCAS3). Also called: ANTIBODY DEFICIENCY AND IMMUNE DYSREGULATION, PLCG2-ASSOCIATED; FAMILIAL ATYPICAL COLD URTICARIA. Identifiers: Orphanet 300359, MedGen C3280914, MONDO:0013766, OMIM 614468.
PLCG2-related disorder. Also called: PLCG2-related condition.

Allele frequency attached by ClinVar (database versions not stated): ESP Exome Variant Server 0.00041; gnomAD 0.00050 and 0.00061; gnomAD exomes 0.00057 and 0.00068; ExAC 0.00068; TOPMed 0.00068; 1000 Genomes Project 0.00080; 1000 Genomes Project 30x 0.00109.
gnomAD v4.1: 1,088 of 1,612,868 alleles (0.067%); highest among the groups gnomAD compares: South Asian, 0.16%; 3 homozygotes.

Submissions (10):

CeGaT Center for Human Genetics Tuebingen
Classification: Likely benign. Last evaluated: 2026-05-01. Review status: criteria provided, single submitter. Criteria: CeGaT Center For Human Genetics Tuebingen Variant Classification Criteria Version 2. Collection method: clinical testing. Allele origin: germline. Affected: yes. Observed: 4 variant alleles.
Comment: PLCG2: BS1

Women's Health and Genetics/Laboratory Corporation of America, LabCorp
Classification: Likely benign. Last evaluated: 2026-02-17. Review status: criteria provided, single submitter. Criteria: LabCorp Variant Classification Summary - May 2015. Collection method: clinical testing. Allele origin: germline.

Labcorp Genetics (formerly Invitae), Labcorp
Classification: Likely benign for Familial cold autoinflammatory syndrome 3. Last evaluated: 2026-01-22. Review status: criteria provided, single submitter. Criteria: Invitae Variant Classification Sherloc (09022015). Collection method: clinical testing. Allele origin: germline.

Blueprint Genetics
Classification: Likely benign. Last evaluated: 2024-11-27. Review status: criteria provided, single submitter. Criteria: ACMG Guidelines, 2015. Collection method: clinical testing. Allele origin: germline.

PreventionGenetics, part of Exact Sciences
Classification: Likely benign for PLCG2-related condition. Last evaluated: 2023-02-22. Review status: no assertion criteria provided. Collection method: clinical testing. Allele origin: germline. Not counted in ClinVar's aggregate classification.
Comment: This variant is classified as likely benign based on ACMG/AMP sequence variant interpretation guidelines (Richards et al. 2015 PMID: 25741868, with internal and published modifications).

Clinical Genetics DNA and cytogenetics Diagnostics Lab, Erasmus MC, Erasmus Medical Center
Classification: Uncertain significance. Review status: no assertion criteria provided. Collection method: clinical testing. Allele origin: germline. Affected: yes. Study: VKGL Data-share Consensus. Not counted in ClinVar's aggregate classification.

Diagnostic Laboratory, Department of Genetics, University Medical Center Groningen
Classification: Uncertain significance. Review status: no assertion criteria provided. Collection method: clinical testing. Allele origin: germline. Affected: yes. Study: VKGL Data-share Consensus. Not counted in ClinVar's aggregate classification.

Dr. Peter K. Rogan Lab, Western University
No classification provided (evidence only). Condition: Lung cancer. Review status: no classification provided. Collection method: in vitro. Allele origin: not applicable. Functional consequence: retained intron. Not counted in ClinVar's aggregate classification.

Dr. Peter K. Rogan Lab, Western University
No classification provided (evidence only). Condition: Colon adenocarcinoma. Review status: no classification provided. Collection method: in vitro. Allele origin: not applicable. Functional consequence: retained intron. Not counted in ClinVar's aggregate classification.

Dr. Peter K. Rogan Lab, Western University
No classification provided (evidence only). Condition: Thyroid cancer, nonmedullary, 1. Review status: no classification provided. Collection method: in vitro. Allele origin: not applicable. Functional consequence: retained intron. Not counted in ClinVar's aggregate classification.